The following is an entry in ClinVar:

NM_004415.4(DSP):c.2790G>C (p.Gln930His)

Gene: DSP (desmoplakin; plus strand). Cytogenetic location: 6p24.3.
Variant type: single nucleotide variant.
Coding change: c.2790G>C on transcript NM_004415.4 (MANE Select); coding-DNA position 2790, G replaced by C.
Protein change: p.Gln930His; replaces glutamine 930 with histidine.
Molecular consequence: missense variant.
Genome position (GRCh38, 1-based): chr6:7,576,453, G>C. VCF-style: chr6-7576453-G-C. GRCh37 (hg19) VCF-style: chr6-7576686-G-C.
Other names: c.2790G>C (NM_004415.2); c.2790G>C, p.Gln930His (NM_001008844.3, NM_001319034.2); short protein forms Q930H.
Identifiers: ClinVar variation 1506800 (VCV001506800.9), dbSNP rs2113686814, ClinGen allele CA362682135.

ClinVar aggregate classification (germline): Uncertain significance. Review status: criteria provided, multiple submitters, no conflicts (2 of 4 stars). 2 submissions from 2 submitters: Uncertain significance (2). Last evaluated 2025-10-06.

Conditions:
Cardiovascular phenotype. Identifiers: MedGen CN230736.
Arrhythmogenic cardiomyopathy with wooly hair and keratoderma. Also called: Carvajal syndrome; Arrhythmogenic cardiomyopathy with woolly hair and keratoderma; PALMOPLANTAR KERATODERMA WITH LEFT VENTRICULAR CARDIOMYOPATHY AND WOOLLY HAIR; Dilated cardiomyopathy with woolly hair and keratoderma. Identifiers: Orphanet 65282, MedGen C1854063, MONDO:0011581, OMIM 605676.
Arrhythmogenic right ventricular dysplasia 8 (ARVD8). Also called: ARRHYTHMOGENIC RIGHT VENTRICULAR DYSPLASIA, FAMILIAL, 8; Arrhythmogenic Right Ventricular Dysplasia/Cardiomyopathy 8; ARRHYTHMOGENIC RIGHT VENTRICULAR CARDIOMYOPATHY 8. Identifiers: MedGen C1843896, MONDO:0011831, OMIM 607450.

Submissions (2):

Ambry Genetics
Classification: Uncertain significance for Cardiovascular phenotype. Last evaluated: 2025-10-06. Review status: criteria provided, single submitter. Criteria: Ambry Variant Classification Scheme 2023. Collection method: clinical testing. Allele origin: germline.

Labcorp Genetics (formerly Invitae), Labcorp
Classification: Uncertain significance for Arrhythmogenic cardiomyopathy with wooly hair and keratoderma; Arrhythmogenic right ventricular dysplasia 8. Last evaluated: 2023-05-23. Review status: criteria provided, single submitter. Criteria: Invitae Variant Classification Sherloc (09022015). Collection method: clinical testing. Allele origin: germline.
Comment: In summary, the available evidence is currently insufficient to determine the role of this variant in disease. Therefore, it has been classified as a Variant of Uncertain Significance. An algorithm developed to predict the effect of missense changes on protein structure and function (PolyPhen-2) suggests that this variant is likely to be disruptive. ClinVar contains an entry for this variant (Variation ID: 1506800). This variant has not been reported in the literature in individuals affected with DSP-related conditions. This variant is not present in population databases (gnomAD no frequency). This sequence change replaces glutamine, which is neutral and polar, with histidine, which is basic and polar, at codon 930 of the DSP protein (p.Gln930His).